The following is an entry in ClinVar:

ClinVar aggregate classification (germline): Uncertain significance. Review status: criteria provided, multiple submitters, no conflicts (2 of 4 stars). 2 submissions from 2 submitters: Uncertain significance (2). Last evaluated 2025-02-18.

Conditions:
Familial adenomatous polyposis 1 (FAP1). Also called: POLYPOSIS, ADENOMATOUS INTESTINAL; FAMILIAL ADENOMATOUS POLYPOSIS 1, ATTENUATED. Identifiers: MedGen C2713442, MONDO:0021056, OMIM 175100. Disease mechanism: loss of function.
Hereditary cancer-predisposing syndrome. Also called: Hereditary neoplastic syndrome; Neoplastic Syndromes, Hereditary; Tumor predisposition; Hereditary Cancer Syndrome. Identifiers: Orphanet 140162, MedGen C0027672, MeSH D009386, MONDO:0015356.

Submissions (2):

Labcorp Genetics (formerly Invitae), Labcorp
Classification: Uncertain significance for Familial adenomatous polyposis 1. Last evaluated: 2025-02-18. Review status: criteria provided, single submitter. Criteria: Invitae Variant Classification Sherloc (09022015). Collection method: clinical testing. Allele origin: germline.
Comment: This sequence change replaces arginine, which is basic and polar, with lysine, which is basic and polar, at codon 168 of the APC protein (p.Arg168Lys). This variant is not present in population databases (gnomAD no frequency). This variant has not been reported in the literature in individuals affected with APC-related conditions. ClinVar contains an entry for this variant (Variation ID: 469987). Invitae Evidence Modeling of protein sequence and biophysical properties (such as structural, functional, and spatial information, amino acid conservation, physicochemical variation, residue mobility, and thermodynamic stability) indicates that this missense variant is not expected to disrupt APC protein function with a negative predictive value of 95%. In summary, the available evidence is currently insufficient to determine the role of this variant in disease. Therefore, it has been classified as a Variant of Uncertain Significance.

Color Diagnostics, LLC DBA Color Health
Classification: Uncertain significance for Hereditary cancer-predisposing syndrome. Last evaluated: 2020-01-16. Review status: criteria provided, single submitter. Criteria: ACMG Guidelines, 2015. Collection method: clinical testing. Allele origin: germline.
Comment: This missense variant replaces arginine with lysine at codon 168 of the APC protein. Computational prediction tool is inconclusive regarding the impact of this variant on protein structure and function (internally defined REVEL score threshold 0.5 < inconclusive < 0.7, PMID: 27666373). Splice site prediction tools suggest that this variant may not impact RNA splicing. To our knowledge, functional studies have not been performed for this variant. This variant has not been reported in individuals affected with hereditary cancer in the literature. This variant has not been identified in the general population by the Genome Aggregation Database (gnomAD). The available evidence is insufficient to determine the role of this variant in disease conclusively. Therefore, this variant is classified as a Variant of Uncertain Significance.

NM_000038.6(APC):c.503G>A (p.Arg168Lys)

Gene: APC (APC regulator of Wnt signaling pathway; plus strand). Cytogenetic location: 5q22.2.
Variant type: single nucleotide variant.
Coding change: c.503G>A on transcript NM_000038.6 (MANE Select); coding-DNA position 503, G replaced by A.
Protein change: p.Arg168Lys; replaces arginine 168 with lysine.
Molecular consequence: missense variant. On other transcripts: 5 prime UTR variant (1).
Genome position (GRCh38, 1-based): chr5:112,775,709, G>A. VCF-style: chr5-112775709-G-A. GRCh37 (hg19) VCF-style: chr5-112111406-G-A.
Other names: c.503G>A, p.Arg168Lys (NM_001127510.3, NM_001354895.2, NM_001354896.2 and 2 more transcripts); c.533G>A, p.Arg178Lys (NM_001127511.3, NM_001354897.2, NM_001354902.2); c.428G>A, p.Arg143Lys (NM_001354898.2, NM_001354904.2); c.326G>A, p.Arg109Lys (NM_001354900.2, NM_001354901.2, NM_001354905.2); c.-533G>A (NM_001354906.2); short protein forms R168K, R178K, R143K, R109K.
Identifiers: ClinVar variation 469987 (VCV000469987.15), dbSNP rs1554071604, ClinGen allele CA16022423.